The following is an entry in ClinVar:

ClinVar aggregate classification (germline): Benign/Likely benign. Review status: criteria provided, multiple submitters, no conflicts (2 of 4 stars). 3 submissions from 3 submitters: Benign (2); Likely benign (1). Last evaluated 2026-01-31.

Conditions:
Long QT syndrome (LQTS). Identifiers: MedGen C0023976, MeSH D008133, MONDO:0002442. Disease mechanism: loss of function. Inheritance: Various modes of inheritance.

Allele frequency attached by ClinVar (database versions not stated): gnomAD 0.00002 and 0.00005; TOPMed 0.00003; gnomAD exomes 0.00006 and 0.00010; ExAC 0.00011; ESP Exome Variant Server 0.00015; 1000 Genomes Project 0.00040; 1000 Genomes Project 30x 0.00047.
gnomAD v4.1: 99 of 1,612,638 alleles (0.0061%); highest among the groups gnomAD compares: South Asian, 0.085%; 2 homozygotes.

Submissions (3):

Labcorp Genetics (formerly Invitae), Labcorp
Classification: Benign for Long QT syndrome. Last evaluated: 2026-01-31. Review status: criteria provided, single submitter. Criteria: Invitae Variant Classification Sherloc (09022015). Collection method: clinical testing. Allele origin: germline.

Blueprint Genetics
Classification: Likely benign. Last evaluated: 2022-08-10. Review status: criteria provided, single submitter. Criteria: ACMG Guidelines, 2015. Collection method: clinical testing. Allele origin: germline.

Women's Health and Genetics/Laboratory Corporation of America, LabCorp
Classification: Benign. Last evaluated: 2020-10-26. Review status: criteria provided, single submitter. Criteria: LabCorp Variant Classification Summary - May 2015. Collection method: clinical testing. Allele origin: germline.
Comment: Variant summary: KCNQ1 c.1794+16G>A alters a non-conserved nucleotide located close to a canonical splice site and therefore could affect mRNA splicing, leading to a significantly altered protein sequence. 4/4 computational tools predict no significant impact on normal splicing. However, these predictions have yet to be confirmed by functional studies. The variant allele was found at a frequency of 0.0001 in 249928 control chromosomes, predominantly at a frequency of 0.00072 within the South Asian subpopulation in the gnomAD database, including 1 homozygote. The observed variant frequency within South Asian control individuals in the gnomAD database is approximately 7-fold of the estimated maximal expected allele frequency for a pathogenic variant in KCNQ1 causing Arrhythmia phenotype (0.0001), strongly suggesting that the variant is a benign polymorphism found primarily in populations of South Asian origin. To our knowledge, no occurrence of c.1794+16G>A in individuals affected with Arrhythmia and no experimental evidence demonstrating its impact on protein function have been reported. No clinical diagnostic laboratories have submitted clinical-significance assessments for this variant to ClinVar after 2014. Based on the evidence outlined above, the variant was classified as benign.

Literature cited by the submitters: PubMed 20851114 (cited by Women's Health and Genetics/Laboratory Corporation of America, LabCorp).

NM_000218.3(KCNQ1):c.1794+16G>A

Gene: KCNQ1 (potassium voltage-gated channel subfamily Q member 1; plus strand). Cytogenetic location: 11p15.5.
Variant type: single nucleotide variant.
Coding change: c.1794+16G>A on transcript NM_000218.3 (MANE Select); 16 bases into the intron after coding-DNA position 1794, G replaced by A.
Molecular consequence: intron variant.
Genome position (GRCh38, 1-based): chr11:2,778,053, G>A. VCF-style: chr11-2778053-G-A. GRCh37 (hg19) VCF-style: chr11-2799283-G-A.
Other names: c.1524+16G>A (NM_001406837.1); c.1698+16G>A (NM_001406836.1); c.1254+16G>A (NM_001406838.1); c.1413+16G>A (NM_181798.2); c.306+16G>A (NM_001406839.1).
Identifiers: ClinVar variation 984474 (VCV000984474.11), dbSNP rs199660137, ClinGen allele CA032876.